The following is an entry in ClinVar:

NM_001375380.1(EBF3):c.1151C>T (p.Ala384Val)

Gene: EBF3 (EBF transcription factor 3; minus strand). Cytogenetic location: 10q26.3.
Variant type: single nucleotide variant.
Coding change: c.1151C>T on transcript NM_001375380.1 (MANE Select); coding-DNA position 1151, C replaced by T.
Protein change: p.Ala384Val; replaces alanine 384 with valine.
Molecular consequence: missense variant.
Genome position (GRCh38, 1-based): chr10:129,843,180, G>A on the plus strand (C>T on the coding strand, the complement: EBF3 is on the minus strand). VCF-style: chr10-129843180-G-A. GRCh37 (hg19) VCF-style: chr10-131641444-G-A.
Other names: c.1124C>T, p.Ala375Val (NM_001005463.3, NM_001375390.1, NM_001375392.1); c.1151C>T, p.Ala384Val (NM_001375379.1, NM_001375389.1, NM_001375391.1); short protein forms A384V, A375V.
Identifiers: ClinVar variation 1029992 (VCV001029992.1), dbSNP rs1268207836, ClinGen allele CA378720975.

ClinVar aggregate classification (germline): Likely pathogenic (1 of 4 stars; one submission).

Conditions:
Hypotonia, ataxia, and delayed development syndrome (HADDS). Also called: EBF3 Neurodevelopmental Disorder. Identifiers: Orphanet 658843, MedGen C4310618, MONDO:0015021, OMIM 617330.

Allele frequency attached by ClinVar (database versions not stated): gnomAD exomes below 0.00001.
gnomAD v4.1: 1 of 1,613,060 alleles (0.000062%); highest among the groups gnomAD compares: Admixed American, 0.0017%; no homozygotes.

Submission:

Baylor Genetics
Classification: Likely pathogenic for Hypotonia, ataxia, and delayed development syndrome. Last evaluated: 2020-12-03. Review status: criteria provided, single submitter. Criteria: ACMG Guidelines, 2015. Collection method: clinical testing. Allele origin: de novo. Affected: yes.
Comment: This variant was determined to be likely pathogenic according to ACMG Guidelines, 2015 [PMID:25741868].